The following is an entry in ClinVar:

NM_145868.2(ANXA11):c.745-7C>G

Gene: ANXA11 (annexin A11; minus strand). Cytogenetic location: 10q22.3.
Variant type: single nucleotide variant.
Coding change: c.745-7C>G on transcript NM_145868.2 (MANE Select); 7 bases into the intron before coding-DNA position 745, C replaced by G.
Molecular consequence: intron variant.
Genome position (GRCh38, 1-based): chr10:80,166,204, G>C on the plus strand (C>G on the coding strand, the complement: ANXA11 is on the minus strand). VCF-style: chr10-80166204-G-C. GRCh37 (hg19) VCF-style: chr10-81925960-G-C.
Other names: p.?; c.745-7C>G (NM_145869.1, NM_001278407.2, NM_001157.3 and 2 more transcripts); c.646-7C>G (NM_001278409.2).
Identifiers: ClinVar variation 714775 (VCV000714775.36), dbSNP rs61860026, ClinGen allele CA5576122.
Genomic context (GRCh38, chr10:80,166,204, plus strand): 5'-GATTGTCTTCTCAAAGTTTCCTGACAGTTCAGATTTCAGATCTTTGATCAAATCCTGATT[G>C]GATATTCAAACAAACAACCAACAAAAAAAAAAACAAGTCTATTTAAAAAATCCACAGGAA-3'

ClinVar aggregate classification (germline): Benign/Likely benign. Review status: criteria provided, multiple submitters, no conflicts (2 of 4 stars). 4 submissions from 4 submitters: Benign (1); Likely benign (2). 1 of the submissions does not count toward it. Last evaluated 2026-06-01.

Conditions:
ANXA11-related disorder. Also called: ANXA11-related condition.

Allele frequency attached by ClinVar (database versions not stated): 1000 Genomes Project 30x 0.00234; 1000 Genomes Project 0.00240; ExAC 0.00247; gnomAD exomes 0.00276; TOPMed 0.00306; gnomAD 0.00314 and 0.00318; ESP Exome Variant Server 0.00338.
gnomAD v4.1: 6,838 of 1,519,588 alleles (0.45%); highest among the groups gnomAD compares: Non-Finnish European, 0.57%; 30 homozygotes.

Submissions (15):

CeGaT Center for Human Genetics Tuebingen
Classification: Likely benign. Last evaluated: 2026-06-01. Review status: criteria provided, single submitter. Criteria: CeGaT Center For Human Genetics Tuebingen Variant Classification Criteria Version 2. Collection method: clinical testing. Allele origin: germline. Affected: yes. Observed: 5 variant alleles.
Comment: ANXA11: BP4, BS2

Labcorp Genetics (formerly Invitae), Labcorp
Classification: Benign. Last evaluated: 2026-02-04. Review status: criteria provided, single submitter. Criteria: Invitae Variant Classification Sherloc (09022015). Collection method: clinical testing. Allele origin: germline.

Mayo Clinic Laboratories, Mayo Clinic
Classification: Likely benign. Last evaluated: 2024-12-06. Review status: criteria provided, single submitter. Criteria: ACMG Guidelines, 2015. Collection method: clinical testing. Allele origin: germline. Observed: 5 variant alleles.
Comment: BS2, BP4, BP7

PreventionGenetics, part of Exact Sciences
Classification: Likely benign for ANXA11-related condition. Last evaluated: 2019-03-20. Review status: no assertion criteria provided. Collection method: clinical testing. Allele origin: germline. Not counted in ClinVar's aggregate classification.
Comment: This variant is classified as likely benign based on ACMG/AMP sequence variant interpretation guidelines (Richards et al. 2015 PMID: 25741868, with internal and published modifications).

Dr. Peter K. Rogan Lab, Western University
No classification provided (evidence only). Condition: Lung cancer. Review status: no classification provided. Collection method: in vitro. Allele origin: not applicable. Functional consequence: retained intron. Not counted in ClinVar's aggregate classification.

Dr. Peter K. Rogan Lab, Western University
No classification provided (evidence only). Condition: Acute myeloid leukemia. Review status: no classification provided. Collection method: in vitro. Allele origin: not applicable. Functional consequence: retained intron. Not counted in ClinVar's aggregate classification.

Dr. Peter K. Rogan Lab, Western University
No classification provided (evidence only). Condition: Acute myeloid leukemia. Review status: no classification provided. Collection method: in vitro. Allele origin: not applicable. Functional consequence: retained intron. Not counted in ClinVar's aggregate classification.

Dr. Peter K. Rogan Lab, Western University
No classification provided (evidence only). Condition: Acute myeloid leukemia. Review status: no classification provided. Collection method: in vitro. Allele origin: not applicable. Functional consequence: skipped exon, retained intron. Not counted in ClinVar's aggregate classification.

Dr. Peter K. Rogan Lab, Western University
No classification provided (evidence only). Condition: Cervical cancer. Review status: no classification provided. Collection method: in vitro. Allele origin: not applicable. Functional consequence: retained intron. Not counted in ClinVar's aggregate classification.

Dr. Peter K. Rogan Lab, Western University
No classification provided (evidence only). Condition: Cervical cancer. Review status: no classification provided. Collection method: in vitro. Allele origin: not applicable. Functional consequence: retained intron. Not counted in ClinVar's aggregate classification.

Dr. Peter K. Rogan Lab, Western University
No classification provided (evidence only). Condition: Sarcoma. Review status: no classification provided. Collection method: in vitro. Allele origin: not applicable. Functional consequence: retained intron. Not counted in ClinVar's aggregate classification.

Dr. Peter K. Rogan Lab, Western University
No classification provided (evidence only). Condition: Malignant lymphoma, large B-cell, diffuse. Review status: no classification provided. Collection method: in vitro. Allele origin: not applicable. Functional consequence: retained intron. Not counted in ClinVar's aggregate classification.

Dr. Peter K. Rogan Lab, Western University
No classification provided (evidence only). Condition: Thymoma. Review status: no classification provided. Collection method: in vitro. Allele origin: not applicable. Functional consequence: retained intron. Not counted in ClinVar's aggregate classification.

Dr. Peter K. Rogan Lab, Western University
No classification provided (evidence only). Condition: Ovarian serous cystadenocarcinoma. Review status: no classification provided. Collection method: in vitro. Allele origin: not applicable. Functional consequence: retained intron. Not counted in ClinVar's aggregate classification.

Dr. Peter K. Rogan Lab, Western University
No classification provided (evidence only). Condition: Ovarian serous cystadenocarcinoma. Review status: no classification provided. Collection method: in vitro. Allele origin: not applicable. Functional consequence: retained intron. Not counted in ClinVar's aggregate classification.